The following is an entry in ClinVar:

NM_017752.3(TBC1D8B):c.2762A>G (p.Lys921Arg)

Gene: TBC1D8B (TBC1 domain family member 8B; plus strand). Cytogenetic location: Xq22.3.
Variant type: single nucleotide variant.
Coding change: c.2762A>G on transcript NM_017752.3 (MANE Select); coding-DNA position 2762, A replaced by G.
Protein change: p.Lys921Arg; replaces lysine 921 with arginine.
Molecular consequence: missense variant.
Genome position (GRCh38, 1-based): chrX:106,868,426, A>G. VCF-style: chrX-106868426-A-G. GRCh37 (hg19) VCF-style: chrX-106111656-A-G.
Other names: c.2612A>G, p.Lys871Arg (NM_001441214.1); c.2468A>G, p.Lys823Arg (NM_001441215.1); short protein forms K871R, K823R, K921R.
Identifiers: ClinVar variation 4775256 (VCV004775256.1).

ClinVar aggregate classification (germline): Uncertain significance (1 of 4 stars; one submission).

Submission:

Labcorp Genetics (formerly Invitae), Labcorp
Classification: Uncertain significance. Last evaluated: 2025-06-12. Review status: criteria provided, single submitter. Criteria: Invitae Variant Classification Sherloc (09022015). Collection method: clinical testing. Allele origin: germline.
Comment: This sequence change replaces lysine, which is basic and polar, with arginine, which is basic and polar, at codon 921 of the TBC1D8B protein (p.Lys921Arg). This variant is not present in population databases (gnomAD no frequency). This variant has not been reported in the literature in individuals affected with TBC1D8B-related conditions. An algorithm developed to predict the effect of missense changes on protein structure and function (PolyPhen-2) suggests that this variant is likely to be tolerated. In summary, the available evidence is currently insufficient to determine the role of this variant in disease. Therefore, it has been classified as a Variant of Uncertain Significance.